The following is an entry in ClinVar:

NM_016032.4(ZDHHC9):c.925A>G (p.Ser309Gly)

Gene: ZDHHC9 (zDHHC palmitoyltransferase 9; minus strand). Cytogenetic location: Xq26.1.
Variant type: single nucleotide variant.
Coding change: c.925A>G on transcript NM_016032.4 (MANE Select); coding-DNA position 925, A replaced by G.
Protein change: p.Ser309Gly; replaces serine 309 with glycine.
Molecular consequence: missense variant.
Genome position (GRCh38, 1-based): chrX:129,810,958, T>C on the plus strand (A>G on the coding strand, the complement: ZDHHC9 is on the minus strand). VCF-style: chrX-129810958-T-C. GRCh37 (hg19) VCF-style: chrX-128944934-T-C.
Other names: c.925A>G, p.Ser309Gly (NM_001008222.3); short protein forms S309G.
Identifiers: ClinVar variation 863453 (VCV000863453.9), dbSNP rs1927626006, ClinGen allele CA414581382.
Genomic context (GRCh38, chrX:129,810,958, plus strand): 5'-CACTTACTGGGCTCTGTGGCAAGAGGCTGCTACTGGTCTCTTGAGTACTGGGAGGTCGAC[T>C]TCCACTTTCCTCCAGTGGCAAAATACCCCTTCGATCCAGCACACTGAAGGAGATAAGAGA-3'
Protein context (NP_057116.2, residues 299-319): RGILPLEESG[Ser309Gly]RPPSTQETSS

ClinVar aggregate classification (germline): Uncertain significance (1 of 4 stars; one submission).

Conditions:
Intellectual developmental disorder, X-linked, syndromic, Raymond type. Also called: Syndromic X-linked intellectual disability Raymond type. Identifiers: MedGen C3275406, MONDO:0010427, OMIM 300799.

Submission:

Labcorp Genetics (formerly Invitae), Labcorp
Classification: Uncertain significance for Intellectual developmental disorder, X-linked, syndromic, Raymond type. Last evaluated: 2019-12-03. Review status: criteria provided, single submitter. Criteria: Invitae Variant Classification Sherloc (09022015). Collection method: clinical testing. Allele origin: germline.
Comment: This sequence change replaces serine with glycine at codon 309 of the ZDHHC9 protein (p.Ser309Gly). The serine residue is moderately conserved and there is a small physicochemical difference between serine and glycine. This variant is not present in population databases (ExAC no frequency). This variant has not been reported in the literature in individuals with ZDHHC9-related conditions. Algorithms developed to predict the effect of missense changes on protein structure and function (SIFT, PolyPhen-2, Align-GVGD) all suggest that this variant is likely to be tolerated, but these predictions have not been confirmed by published functional studies and their clinical significance is uncertain. In summary, the available evidence is currently insufficient to determine the role of this variant in disease. Therefore, it has been classified as a Variant of Uncertain Significance.